The following is an entry in ClinVar:

NM_001164508.2(NEB):c.1302T>G (p.Tyr434Ter)

Gene: NEB (nebulin; minus strand). Cytogenetic location: 2q23.3.
Variant type: single nucleotide variant.
Coding change: c.1302T>G on transcript NM_001164508.2 (MANE Select); coding-DNA position 1302, T replaced by G.
Protein change: p.Tyr434Ter; replaces tyrosine 434 with a stop codon.
Molecular consequence: nonsense.
Genome position (GRCh38, 1-based): chr2:151,697,413, A>C on the plus strand (T>G on the coding strand, the complement: NEB is on the minus strand). VCF-style: chr2-151697413-A-C. GRCh37 (hg19) VCF-style: chr2-152553927-A-C.
Other names: c.1302T>G, p.Tyr434Ter (NM_001164507.2, NM_001271208.2, NM_004543.5); short protein forms Y434*.
Identifiers: ClinVar variation 4814719 (VCV004814719.1).

ClinVar aggregate classification (germline): Likely pathogenic (1 of 4 stars; one submission).

Conditions:
Nemaline myopathy 2 (NEM2). Also called: Nemaline myopathy 2, autosomal recessive. Identifiers: MedGen C1850569, MONDO:0009725, OMIM 256030.

Submission:

Natera, Inc.
Classification: Likely pathogenic for Nemaline myopathy type 2. Last evaluated: 2024-05-30. Review status: criteria provided, single submitter. Criteria: Natera Variant Classification Schema (03/2026). Collection method: clinical testing. Allele origin: germline.
Comment: The c.1302T>G variant in NEB is a nonsense variant predicted to introduce a stop codon at amino acid 434. This variant is expected to result in nonsense mediated decay, truncation, or a dysfunctional protein product. This variant is rare in the general population with a frequency below the threshold expected for the associated phenotype(s). Given the available evidence, this variant is classified as Likely Pathogenic.